The following is an entry in ClinVar:

NM_005026.5(PIK3CD):c.310C>T (p.Arg104Cys)

Gene: PIK3CD (phosphatidylinositol-4,5-bisphosphate 3-kinase catalytic subunit delta; plus strand). Cytogenetic location: 1p36.22.
Variant type: single nucleotide variant.
Coding change: c.310C>T on transcript NM_005026.5 (MANE Select); coding-DNA position 310, C replaced by T.
Protein change: p.Arg104Cys; replaces arginine 104 with cysteine.
Molecular consequence: missense variant.
Genome position (GRCh38, 1-based): chr1:9,715,709, C>T. VCF-style: chr1-9715709-C-T. GRCh37 (hg19) VCF-style: chr1-9775767-C-T.
Other names: c.310C>T, p.Arg104Cys (NM_001350234.2, NM_001350235.1); short protein forms R104C.
Identifiers: ClinVar variation 1905851 (VCV001905851.6), dbSNP rs1315288471, ClinGen allele CA338300316.

ClinVar aggregate classification (germline): Uncertain significance. Review status: criteria provided, multiple submitters, no conflicts (2 of 4 stars). 2 submissions from 2 submitters: Uncertain significance (2). Last evaluated 2024-02-08.

Conditions:
Immunodeficiency 14 (IMD14A). Also called: IMMUNODEFICIENCY 14A WITH LYMPHOPROLIFERATION, AUTOSOMAL DOMINANT; p110-DELTA-ACTIVATING MUTATION CAUSING SENESCENT T CELLS, LYMPHADENOPATHY, AND IMMUNODEFICIENCY; ACTIVATED PI3K-DELTA SYNDROME 1; Activated PI3K Delta Syndrome Type 1 (APDS1). Identifiers: Orphanet 397596, Orphanet 693661, MedGen C5907821, MONDO:0014222, OMIM 615513.

Allele frequency attached by ClinVar (database versions not stated): gnomAD 0.00001; TOPMed 0.00002.
gnomAD v4.1: 12 of 1,613,474 alleles (0.00074%); highest among the groups gnomAD compares: African/African-American, 0.0013%; no homozygotes.

Submissions (2):

Blueprint Genetics
Classification: Uncertain significance. Last evaluated: 2024-02-08. Review status: criteria provided, single submitter. Criteria: ACMG Guidelines, 2015. Collection method: clinical testing. Allele origin: germline.

Labcorp Genetics (formerly Invitae), Labcorp
Classification: Uncertain significance for Activated PI3K-delta syndrome. Last evaluated: 2023-12-23. Review status: criteria provided, single submitter. Criteria: Invitae Variant Classification Sherloc (09022015). Collection method: clinical testing. Allele origin: germline.
Comment: This sequence change replaces arginine, which is basic and polar, with cysteine, which is neutral and slightly polar, at codon 104 of the PIK3CD protein (p.Arg104Cys). This variant is present in population databases (no rsID available, gnomAD 0.0009%). This variant has not been reported in the literature in individuals affected with PIK3CD-related conditions. ClinVar contains an entry for this variant (Variation ID: 1905851). An algorithm developed to predict the effect of missense changes on protein structure and function (PolyPhen-2) suggests that this variant is likely to be disruptive. In summary, the available evidence is currently insufficient to determine the role of this variant in disease. Therefore, it has been classified as a Variant of Uncertain Significance.